The following is an entry in ClinVar:

ClinVar aggregate classification (germline): Uncertain significance (1 of 4 stars; one submission).

Conditions:
Dyskeratosis congenita, autosomal recessive 5 (DKCB5). Identifiers: MedGen C3554656, MONDO:0014076, OMIM 615190.
Pulmonary fibrosis and/or bone marrow failure, Telomere-related, 3. Also called: PULMONARY FIBROSIS AND/OR BONE MARROW FAILURE SYNDROME, TELOMERE-RELATED, 3. Identifiers: Orphanet 2032, MedGen C4225346, MONDO:0014613, OMIM 616373.

Submission:

Labcorp Genetics (formerly Invitae), Labcorp
Classification: Uncertain significance for Dyskeratosis congenita, autosomal recessive 5; Pulmonary fibrosis and/or bone marrow failure, Telomere-related, 3. Last evaluated: 2022-11-07. Review status: criteria provided, single submitter. Criteria: Invitae Variant Classification Sherloc (09022015). Collection method: clinical testing. Allele origin: germline.
Comment: This sequence change replaces glycine, which is neutral and non-polar, with arginine, which is basic and polar, at codon 671 of the RTEL1 protein (p.Gly671Arg). This variant is not present in population databases (gnomAD no frequency). This variant has not been reported in the literature in individuals affected with RTEL1-related conditions. Algorithms developed to predict the effect of missense changes on protein structure and function output the following: SIFT: "Tolerated"; PolyPhen-2: "Benign"; Align-GVGD: "Class C0". The arginine amino acid residue is found in multiple mammalian species, which suggests that this missense change does not adversely affect protein function. Algorithms developed to predict the effect of sequence changes on RNA splicing suggest that this variant may create or strengthen a splice site. In summary, the available evidence is currently insufficient to determine the role of this variant in disease. Therefore, it has been classified as a Variant of Uncertain Significance.

NM_001283009.2(RTEL1):c.2011G>A (p.Gly671Arg)

Genes: RTEL1 (regulator of telomere elongation helicase 1; plus strand), RTEL1-TNFRSF6B (RTEL1-TNFRSF6B readthrough (NMD candidate); plus strand). Cytogenetic location: 20q13.33.
Variant type: single nucleotide variant.
Coding change: c.2011G>A on transcript NM_001283009.2 (MANE Select); coding-DNA position 2011, G replaced by A.
Protein change: p.Gly671Arg; replaces glycine 671 with arginine.
Molecular consequence: missense variant. On other transcripts: non-coding transcript variant (1).
Genome position (GRCh38, 1-based): chr20:63,689,634, G>A. VCF-style: chr20-63689634-G-A. GRCh37 (hg19) VCF-style: chr20-62320987-G-A.
Other names: c.1342G>A, p.Gly448Arg (NM_001283010.1); c.2011G>A, p.Gly671Arg (NM_016434.4); c.2083G>A, p.Gly695Arg (NM_032957.5); short protein forms G448R, G671R, G695R.
Identifiers: ClinVar variation 1716887 (VCV001716887.6), dbSNP rs2517133178, ClinGen allele CA409678934.